The following is an entry in ClinVar:

NM_138792.4(LEO1):c.894G>A (p.Ala298=)

Gene: LEO1 (LEO1 homolog, Paf1/RNA polymerase II complex component; minus strand). Cytogenetic location: 15q21.2.
Variant type: single nucleotide variant.
Coding change: c.894G>A on transcript NM_138792.4 (MANE Select); coding-DNA position 894, G replaced by A.
Protein change: p.Ala298=; no amino-acid change (alanine 298 retained).
Molecular consequence: synonymous variant.
Genome position (GRCh38, 1-based): chr15:51,962,414, C>T on the plus strand (G>A on the coding strand, the complement: LEO1 is on the minus strand). VCF-style: chr15-51962414-C-T. GRCh37 (hg19) VCF-style: chr15-52254611-C-T.
Other names: c.894G>A, p.Ala298= (NM_001286430.2, NM_001323903.2, NM_001323904.2 and 2 more transcripts).
Identifiers: ClinVar variation 3053050 (VCV003053050.2), dbSNP rs149880331, ClinGen allele CA7564600.

ClinVar aggregate classification (germline): Likely benign (0 of 4 stars; one submission).

Conditions:
LEO1-related disorder. Also called: LEO1-related condition.

Allele frequency attached by ClinVar (database versions not stated): 1000 Genomes Project 0.00040; 1000 Genomes Project 30x 0.00047; ExAC 0.00088; gnomAD 0.00096; TOPMed 0.00097; ESP Exome Variant Server 0.00116; gnomAD exomes 0.00132.
gnomAD v4.1: 2,087 of 1,611,810 alleles (0.13%); highest among the groups gnomAD compares: Non-Finnish European, 0.16%; 3 homozygotes.

Submission:

PreventionGenetics, part of Exact Sciences
Classification: Likely benign for LEO1-related condition. Last evaluated: 2019-08-21. Review status: no assertion criteria provided. Collection method: clinical testing. Allele origin: germline.
Comment: This variant is classified as likely benign based on ACMG/AMP sequence variant interpretation guidelines (Richards et al. 2015 PMID: 25741868, with internal and published modifications).